The following is an entry in ClinVar:

ClinVar aggregate classification (germline): Pathogenic (1 of 4 stars; one submission).

Conditions:
ALG3-congenital disorder of glycosylation. Also called: CONGENITAL DISORDER OF GLYCOSYLATION, TYPE Id; ALG3-CDG; CARBOHYDRATE-DEFICIENT GLYCOPROTEIN SYNDROME, TYPE IV; CDGS, TYPE IV; CDG Id. Identifiers: Orphanet 79321, MedGen C1832736, MONDO:0010998, OMIM 601110.

gnomAD v4.1: 7 of 1,613,898 alleles (0.00043%); highest among the groups gnomAD compares: African/African-American, 0.0027%; no homozygotes.

Submission:

Labcorp Genetics (formerly Invitae), Labcorp
Classification: Pathogenic for ALG3-congenital disorder of glycosylation. Last evaluated: 2025-05-21. Review status: criteria provided, single submitter. Criteria: Invitae Variant Classification Sherloc (09022015). Collection method: clinical testing. Allele origin: germline.
Comment: This sequence change creates a premature translational stop signal (p.Arg287*) in the ALG3 gene. It is expected to result in an absent or disrupted protein product. Loss-of-function variants in ALG3 are known to be pathogenic (PMID: 33583022, 34090370). This variant is present in population databases (rs760860650, gnomAD 0.004%). This variant has not been reported in the literature in individuals affected with ALG3-related conditions. For these reasons, this variant has been classified as Pathogenic.

Literature cited by the submitters: PubMed 33583022; PubMed 34090370.

NM_005787.6(ALG3):c.859C>T (p.Arg287Ter)

Gene: ALG3 (ALG3 alpha-1,3- mannosyltransferase; minus strand). Cytogenetic location: 3q27.1.
Variant type: single nucleotide variant.
Coding change: c.859C>T on transcript NM_005787.6 (MANE Select); coding-DNA position 859, C replaced by T.
Protein change: p.Arg287Ter; replaces arginine 287 with a stop codon.
Molecular consequence: nonsense. On other transcripts: non-coding transcript variant (2).
Genome position (GRCh38, 1-based): chr3:184,243,864, G>A on the plus strand (C>T on the coding strand, the complement: ALG3 is on the minus strand). VCF-style: chr3-184243864-G-A. GRCh37 (hg19) VCF-style: chr3-183961652-G-A.
Other names: c.715C>T, p.Arg239Ter (NM_001006941.2); short protein forms R287*, R239*.
Identifiers: ClinVar variation 4706770 (VCV004706770.1).